The following is an entry in ClinVar:

ClinVar aggregate classification (germline): Likely benign. Review status: criteria provided, multiple submitters, no conflicts (2 of 4 stars). 3 submissions from 3 submitters: Likely benign (2). 1 of the submissions does not count toward it. Last evaluated 2024-09-17.

Conditions:
VPS33B-related disorder. Also called: VPS33B-related condition.

Allele frequency attached by ClinVar (database versions not stated): ExAC 0.00008; gnomAD 0.00009; TOPMed 0.00014; 1000 Genomes Project 30x 0.00047; 1000 Genomes Project 0.00060.

Submissions (3):

Women's Health and Genetics/Laboratory Corporation of America, LabCorp
Classification: Likely benign. Last evaluated: 2024-09-17. Review status: criteria provided, single submitter. Criteria: LabCorp Variant Classification Summary - May 2015. Collection method: clinical testing. Allele origin: germline.
Comment: Variant summary: VPS33B c.183C>T alters a conserved nucleotide resulting in a synonymous change. Consensus agreement among computation tools predict no significant impact on normal splicing. However, these predictions have yet to be confirmed by functional studies. The variant allele was found at a frequency of 5.6e-05 in 251480 control chromosomes. This frequency is not significantly higher than estimated for a pathogenic variant in VPS33B causing VPS33B-Related Disorders, allowing no conclusion about variant significance. To our knowledge, no occurrence of c.183C>T in individuals affected with VPS33B-Related Disorders and no experimental evidence demonstrating its impact on protein function have been reported. ClinVar contains an entry for this variant (Variation ID: 2882316). Based on the evidence outlined above, the variant was classified as likely benign.

Labcorp Genetics (formerly Invitae), Labcorp
Classification: Likely benign. Last evaluated: 2023-08-07. Review status: criteria provided, single submitter. Criteria: Invitae Variant Classification Sherloc (09022015). Collection method: clinical testing. Allele origin: germline.

PreventionGenetics, part of Exact Sciences
Classification: Likely benign for VPS33B-related condition. Last evaluated: 2021-06-23. Review status: no assertion criteria provided. Collection method: clinical testing. Allele origin: germline. Not counted in ClinVar's aggregate classification.
Comment: This variant is classified as likely benign based on ACMG/AMP sequence variant interpretation guidelines (Richards et al. 2015 PMID: 25741868, with internal and published modifications).

NM_018668.5(VPS33B):c.183C>T (p.His61=)

Gene: VPS33B (VPS33B late endosome and lysosome associated; minus strand). Cytogenetic location: 15q26.1.
Variant type: single nucleotide variant.
Coding change: c.183C>T on transcript NM_018668.5 (MANE Select); coding-DNA position 183, C replaced by T.
Protein change: p.His61=; no amino-acid change (histidine 61 retained).
Molecular consequence: synonymous variant. On other transcripts: intron variant (1).
Genome position (GRCh38, 1-based): chr15:91,017,019, G>A on the plus strand (C>T on the coding strand, the complement: VPS33B is on the minus strand). VCF-style: chr15-91017019-G-A. GRCh37 (hg19) VCF-style: chr15-91560249-G-A.
Other names: c.-35+786C>T (NM_001289149.1); c.102C>T, p.His34= (NM_001289148.1).
Identifiers: ClinVar variation 2882316 (VCV002882316.6), dbSNP rs556273911, ClinGen allele CA7745174.